The following is an entry in ClinVar:

NM_001195518.2(MICU1):c.161+15A>G

Gene: MICU1 (mitochondrial calcium uptake 1; minus strand). Cytogenetic location: 10q22.1.
Variant type: single nucleotide variant.
Coding change: c.161+15A>G on transcript NM_001195518.2 (MANE Select); 15 bases into the intron after coding-DNA position 161, A replaced by G.
Molecular consequence: intron variant.
Genome position (GRCh38, 1-based): chr10:72,566,618, T>C on the plus strand (A>G on the coding strand, the complement: MICU1 is on the minus strand). VCF-style: chr10-72566618-T-C. GRCh37 (hg19) VCF-style: chr10-74326376-T-C.
Other names: c.161+15A>G (NM_006077.4, NM_001363513.2).
Identifiers: ClinVar variation 391041 (VCV000391041.9), dbSNP rs369648087, ClinGen allele CA5550343.

ClinVar aggregate classification (germline): Likely benign. Review status: criteria provided, multiple submitters, no conflicts (2 of 4 stars). 2 submissions from 2 submitters: Likely benign (2). Last evaluated 2025-02-24.

Allele frequency attached by ClinVar (database versions not stated): gnomAD exomes 0.00004 and 0.00007; ExAC 0.00009; gnomAD 0.00019 and 0.00020; TOPMed 0.00020; 1000 Genomes Project 30x 0.00031; ESP Exome Variant Server 0.00033.
gnomAD v4.1: 99 of 1,606,338 alleles (0.0062%); highest among the groups gnomAD compares: African/African-American, 0.052%; no homozygotes.

Submissions (2):

Labcorp Genetics (formerly Invitae), Labcorp
Classification: Likely benign. Last evaluated: 2025-02-24. Review status: criteria provided, single submitter. Criteria: Invitae Variant Classification Sherloc (09022015). Collection method: clinical testing. Allele origin: germline.

GeneDx
Classification: Likely benign. Last evaluated: 2016-11-29. Review status: criteria provided, single submitter. Criteria: GeneDx Variant Classification (06012015). Collection method: clinical testing. Allele origin: germline. Affected: yes.
Comment: This variant is considered likely benign or benign based on one or more of the following criteria: it is a conservative change, it occurs at a poorly conserved position in the protein, it is predicted to be benign by multiple in silico algorithms, and/or has population frequency not consistent with disease.